The following is an entry in ClinVar:

ClinVar aggregate classification (germline): Uncertain significance (1 of 4 stars; one submission).

Conditions:
Dystonic disorder. Also called: Dystonia. Identifiers: MedGen C0013421, MONDO:0003441, HP:0001332.

Allele frequency attached by ClinVar (database versions not stated): gnomAD exomes below 0.00001; TOPMed below 0.00001; ExAC 0.00001; gnomAD 0.00001.
gnomAD v4.1: 8 of 1,613,746 alleles (0.0005%); highest among the groups gnomAD compares: East Asian, 0.0067%; no homozygotes.

Submission:

Labcorp Genetics (formerly Invitae), Labcorp
Classification: Uncertain significance for Dystonic disorder. Last evaluated: 2022-06-08. Review status: criteria provided, single submitter. Criteria: Invitae Variant Classification Sherloc (09022015). Collection method: clinical testing. Allele origin: germline.
Comment: In summary, the available evidence is currently insufficient to determine the role of this variant in disease. Therefore, it has been classified as a Variant of Uncertain Significance. Algorithms developed to predict the effect of sequence changes on RNA splicing suggest that this variant may create or strengthen a splice site. This variant has not been reported in the literature in individuals affected with ANO3-related conditions. This variant is present in population databases (rs766181740, gnomAD 0.006%). This sequence change affects codon 770 of the ANO3 mRNA. It is a 'silent' change, meaning that it does not change the encoded amino acid sequence of the ANO3 protein.

NM_031418.4(ANO3):c.2310G>A (p.Ala770=)

Gene: ANO3 (anoctamin 3; plus strand). Cytogenetic location: 11p14.2.
Variant type: single nucleotide variant.
Coding change: c.2310G>A on transcript NM_031418.4 (MANE Select); coding-DNA position 2310, G replaced by A.
Protein change: p.Ala770=; no amino-acid change (alanine 770 retained).
Molecular consequence: synonymous variant.
Genome position (GRCh38, 1-based): chr11:26,643,216, G>A. VCF-style: chr11-26643216-G-A. GRCh37 (hg19) VCF-style: chr11-26664763-G-A.
Other names: c.2493G>A, p.Ala831= (NM_001313726.2); c.1872G>A, p.Ala624= (NM_001313727.2).
Identifiers: ClinVar variation 1950494 (VCV001950494.5), dbSNP rs766181740, ClinGen allele CA5926481.